The following is an entry in ClinVar:

NM_016383.5(LUZP4):c.749_752del (p.Arg250fs)

Gene: LUZP4 (leucine zipper protein 4; plus strand). Cytogenetic location: Xq23.
Variant type: Microsatellite.
Coding change: c.749_752del on transcript NM_016383.5 (MANE Select); coding-DNA positions 749 to 752, 4 bases deleted (GAGA; older notation c.749_752delGAGA).
Protein change: p.Arg250fs; shifts the reading frame from arginine 250.
Molecular consequence: frameshift variant.
Genome position (GRCh38, 1-based): chrX:115,306,611-115,306,614, GAGA deleted; deleting any 4 consecutive bases within chrX:115,306,608-115,306,614 gives the same sequence; the c. name uses the placement nearest the transcript's 3' end. VCF-style (leftmost placement, unchanged base first): chrX-115306607-CAGAG-C. GRCh37 (hg19) VCF-style: chrX-114541172-CAGAG-C.
Other names: c.503_506del, p.Arg168fs (NM_001318840.2); short protein forms R168fs, R250fs.
Identifiers: ClinVar variation 4990582 (VCV004990582.1).

ClinVar aggregate classification (germline): Likely benign (1 of 4 stars; one submission).

Conditions:
LUZP4-related disorder. Also called: LUZP4-related condition.

Submission:

PreventionGenetics, part of Exact Sciences
Classification: Likely benign for LUZP4-related condition. Last evaluated: 2026-07-31. Review status: criteria provided, single submitter. Criteria: ACMG Guidelines, 2015. Collection method: clinical testing. Allele origin: germline.
Comment: This variant is classified as likely benign based on ACMG/AMP sequence variant interpretation guidelines (Richards et al. 2015 PMID: 25741868, with internal and published modifications).